The following is an entry in ClinVar:

NM_007294.4(BRCA1):c.2125_2126insAG (p.Phe709Ter)

Gene: BRCA1 (BRCA1 DNA repair associated; minus strand). Cytogenetic location: 17q21.31.
Variant type: Insertion.
Coding change: c.2125_2126insAG on transcript NM_007294.4 (MANE Select); coding-DNA positions 2125 to 2126, AG inserted.
Protein change: p.Phe709Ter; replaces phenylalanine 709 with a stop codon.
Molecular consequence: nonsense. On other transcripts: intron variant (137).
Genome position: GRCh38 VCF-style: chr17-43093405-A-ACT. GRCh37 (hg19) VCF-style: chr17-41245422-A-ACT.
Other names: c.661+1338_661+1339insAG (NM_001408446.1, NM_001408435.1, NM_001408448.1 and 6 more transcripts); c.784+1338_784+1339insAG (NM_001408401.1, NM_001408396.1, NM_001407985.1 and 13 more transcripts); c.548-2374_548-2373insAG (NM_001408494.1); c.664+1338_664+1339insAG (NM_001408444.1, NM_001408438.1, NM_001408430.1 and 12 more transcripts); c.671-2374_671-2373insAG (NM_001408423.1, NM_001408420.1, NM_001408419.1 and 2 more transcripts); c.1912_1913insAG, p.Phe638Ter (NM_001407571.1, NM_001407853.1, NM_001407894.1 and 9 more transcripts); c.2125_2126insAG, p.Phe709Ter (NM_001407581.1, NM_001407582.1, NM_001407583.1 and 30 more transcripts); c.2122_2123insAG, p.Phe708Ter (NM_001407587.1, NM_001407590.1, NM_001407591.1 and 22 more transcripts); and 41 more; short protein forms F621*, F638*, F639*, F582*, F598*, F662*, F668*, F682*.
Identifiers: ClinVar variation 2624675 (VCV002624675.4), dbSNP rs80357871, ClinGen allele CA2582342175.
Genomic context (GRCh38, chr17:43,093,405, plus strand): 5'-TCTCTTGGAAGGCTAGGATTGACAAATTCTTTAAGTTCACTGGTATTTGAACACTTAGTA[A>ACT]AAGAACCAGGTGCATTTGTTAACTTCAGCTCTGGGAAAGTATCGCTGTCATGTCTTTTAC-3'

ClinVar aggregate classification (germline): Pathogenic. Review status: criteria provided, multiple submitters, no conflicts (2 of 4 stars). 2 submissions from 2 submitters: Pathogenic (2). Last evaluated 2025-11-19.

Conditions:
Hereditary breast ovarian cancer syndrome. Also called: Hereditary breast and ovarian cancer; Breast and ovarian cancer; Hereditary breast and ovarian cancer syndrome (HBOC); BRCA1- and BRCA2-Associated Hereditary Breast and Ovarian Cancer; Hereditary breast and ovarian cancer syndrome; Hereditary breast and/or ovarian cancer syndrome. Identifiers: Orphanet 145, MedGen C0677776, MeSH D061325, MONDO:0003582. Disease mechanism: loss of function.
Hereditary cancer-predisposing syndrome. Also called: Tumor predisposition; Hereditary Cancer Syndrome; Hereditary neoplastic syndrome; Neoplastic Syndromes, Hereditary. Identifiers: Orphanet 140162, MedGen C0027672, MeSH D009386, MONDO:0015356.

Submissions (2):

Labcorp Genetics (formerly Invitae), Labcorp
Classification: Pathogenic for Hereditary breast ovarian cancer syndrome. Last evaluated: 2025-11-19. Review status: criteria provided, single submitter. Criteria: Invitae Variant Classification Sherloc (09022015). Collection method: clinical testing. Allele origin: germline.
Comment: This sequence change creates a premature translational stop signal (p.Phe709*) in the BRCA1 gene. It is expected to result in an absent or disrupted protein product. Loss-of-function variants in BRCA1 are known to be pathogenic (PMID: 20104584). This variant is not present in population databases (gnomAD no frequency). This variant has not been reported in the literature in individuals affected with BRCA1-related conditions. ClinVar contains an entry for this variant (Variation ID: 2624675). For these reasons, this variant has been classified as Pathogenic.

Ambry Genetics
Classification: Pathogenic for Hereditary cancer-predisposing syndrome. Last evaluated: 2023-06-28. Review status: criteria provided, single submitter. Criteria: Ambry Variant Classification Scheme 2023. Collection method: clinical testing. Allele origin: germline.
Comment: The c.2125_2126insAG pathogenic mutation, located in coding exon 9 of the BRCA1 gene, results from an insertion of two nucleotides at position 2125, causing a translational frameshift with a predicted alternate stop codon (p.F709*). This variant is considered to be rare based on population cohorts in the Genome Aggregation Database (gnomAD). This alteration is expected to result in loss of function by premature protein truncation or nonsense-mediated mRNA decay. As such, this alteration is interpreted as a disease-causing mutation.

Literature cited by the submitters: PubMed 20104584 (cited by Labcorp Genetics (formerly Invitae), Labcorp).